The following is an entry in ClinVar:

ClinVar aggregate classification (germline): Conflicting classifications of pathogenicity. Review status: criteria provided, conflicting classifications (1 of 4 stars). 2 submissions from 2 submitters: Uncertain significance (1); Likely benign (1). Last evaluated 2022-10-25.

Allele frequency attached by ClinVar (database versions not stated): TOPMed 0.00005; gnomAD 0.00007; ExAC 0.00013; gnomAD exomes 0.00022; 1000 Genomes Project 30x 0.00078; 1000 Genomes Project 0.00100.
gnomAD v4.1: 319 of 1,550,250 alleles (0.021%); highest among the groups gnomAD compares: East Asian, 0.76%; no homozygotes.

Submissions (2):

Blueprint Genetics
Classification: Uncertain significance. Last evaluated: 2022-10-25. Review status: criteria provided, single submitter. Criteria: ACMG Guidelines, 2015. Collection method: clinical testing. Allele origin: germline.

CeGaT Center for Human Genetics Tuebingen
Classification: Likely benign. Last evaluated: 2022-10-01. Review status: criteria provided, single submitter. Criteria: CeGaT Center For Human Genetics Tuebingen Variant Classification Criteria Version 2. Collection method: clinical testing. Allele origin: germline. Affected: yes. Observed: 1 variant allele.
Comment: OTOG: BP4

NM_001292063.2(OTOG):c.5650A>G (p.Thr1884Ala)

Gene: OTOG (otogelin; plus strand). Cytogenetic location: 11p15.1.
Variant type: single nucleotide variant.
Coding change: c.5650A>G on transcript NM_001292063.2 (MANE Select); coding-DNA position 5650, A replaced by G.
Protein change: p.Thr1884Ala; replaces threonine 1884 with alanine.
Molecular consequence: missense variant.
Genome position (GRCh38, 1-based): chr11:17,610,950, A>G. VCF-style: chr11-17610950-A-G. GRCh37 (hg19) VCF-style: chr11-17632497-A-G.
Other names: c.5686A>G, p.Thr1896Ala (NM_001277269.2); short protein forms T1884A, T1896A.
Identifiers: ClinVar variation 2641653 (VCV002641653.25), dbSNP rs561598526, ClinGen allele CA5905942.